The following is an entry in ClinVar:

NM_007325.5(GRIA3):c.1293+6T>C

Gene: GRIA3 (glutamate ionotropic receptor AMPA type subunit 3; plus strand). Cytogenetic location: Xq25.
Variant type: single nucleotide variant.
Coding change: c.1293+6T>C on transcript NM_007325.5 (MANE Select); 6 bases into the intron after coding-DNA position 1293, T replaced by C.
Molecular consequence: intron variant.
Genome position (GRCh38, 1-based): chrX:123,403,525, T>C. VCF-style: chrX-123403525-T-C. GRCh37 (hg19) VCF-style: chrX-122537376-T-C.
Other names: c.1293+6T>C (NM_000828.5).
Identifiers: ClinVar variation 2121985 (VCV002121985.4), dbSNP rs372131489, ClinGen allele CA10507040.

ClinVar aggregate classification (germline): Uncertain significance (1 of 4 stars; one submission).

Allele frequency attached by ClinVar (database versions not stated): TOPMed 0.00001; gnomAD exomes 0.00001; ExAC 0.00001; gnomAD 0.00001; ESP Exome Variant Server 0.00009.
gnomAD v4.1: 6 of 1,005,989 alleles (0.0006%); highest among the groups gnomAD compares: Admixed American, 0.0022%; no homozygotes.

Submission:

Labcorp Genetics (formerly Invitae), Labcorp
Classification: Uncertain significance. Last evaluated: 2025-05-19. Review status: criteria provided, single submitter. Criteria: Invitae Variant Classification Sherloc (09022015). Collection method: clinical testing. Allele origin: germline.
Comment: This sequence change falls in intron 9 of the GRIA3 gene. It does not directly change the encoded amino acid sequence of the GRIA3 protein. It affects a nucleotide within the consensus splice site. This variant is present in population databases (rs372131489, gnomAD 0.004%). This variant has not been reported in the literature in individuals affected with GRIA3-related conditions. ClinVar contains an entry for this variant (Variation ID: 2121985). Variants that disrupt the consensus splice site are a relatively common cause of aberrant splicing (PMID: 17576681, 9536098). Algorithms developed to predict the effect of sequence changes on RNA splicing suggest that this variant may disrupt the consensus splice site. In summary, the available evidence is currently insufficient to determine the role of this variant in disease. Therefore, it has been classified as a Variant of Uncertain Significance.

Literature cited by the submitters: PubMed 17576681; PubMed 9536098.